The following is an entry in ClinVar:

ClinVar aggregate classification (germline): Uncertain significance (1 of 4 stars; one submission).

Allele frequency attached by ClinVar (database versions not stated): TOPMed below 0.00001; gnomAD exomes 0.00001.
gnomAD v4.1: 15 of 1,613,554 alleles (0.00093%); highest among the groups gnomAD compares: Middle Eastern, 0.017%; no homozygotes.

Submission:

Labcorp Genetics (formerly Invitae), Labcorp
Classification: Uncertain significance. Last evaluated: 2022-07-26. Review status: criteria provided, single submitter. Criteria: Invitae Variant Classification Sherloc (09022015). Collection method: clinical testing. Allele origin: germline.
Comment: This sequence change replaces isoleucine, which is neutral and non-polar, with valine, which is neutral and non-polar, at codon 1116 of the TTC37 protein (p.Ile1116Val). This variant is present in population databases (no rsID available, gnomAD 0.003%). This variant has not been reported in the literature in individuals affected with TTC37-related conditions. ClinVar contains an entry for this variant (Variation ID: 1382083). Algorithms developed to predict the effect of missense changes on protein structure and function output the following: SIFT: "Tolerated"; PolyPhen-2: "Benign"; Align-GVGD: "Class C0". The valine amino acid residue is found in multiple mammalian species, which suggests that this missense change does not adversely affect protein function. In summary, the available evidence is currently insufficient to determine the role of this variant in disease. Therefore, it has been classified as a Variant of Uncertain Significance.

NM_014639.4(SKIC3):c.3346A>G (p.Ile1116Val)

Gene: SKIC3 (SKI3 subunit of superkiller complex; minus strand). Cytogenetic location: 5q15.
Variant type: single nucleotide variant.
Coding change: c.3346A>G on transcript NM_014639.4 (MANE Select); coding-DNA position 3346, A replaced by G.
Protein change: p.Ile1116Val; replaces isoleucine 1116 with valine.
Molecular consequence: missense variant.
Genome position (GRCh38, 1-based): chr5:95,498,587, T>C on the plus strand (A>G on the coding strand, the complement: SKIC3 is on the minus strand). VCF-style: chr5-95498587-T-C. GRCh37 (hg19) VCF-style: chr5-94834291-T-C.
Other names: short protein forms I1116V.
Identifiers: ClinVar variation 1382083 (VCV001382083.5), dbSNP rs775784914, ClinGen allele CA122833674.